The following is an entry in ClinVar:

ClinVar aggregate classification (germline): Uncertain significance (1 of 4 stars; one submission).

Conditions:
Neuropathy, hereditary sensory, type 2C. Also called: Hereditary sensory and autonomic neuropathy type IIC; KIF1A-Related HSAN2 (HSAN2C). Identifiers: Orphanet 970, MedGen C3280168, MONDO:0013634, OMIM 614213.
Intellectual disability, autosomal dominant 9 (NESCAVS). Also called: KIF1A-Related Neurodevelopmental Disorder; NESCAV SYNDROME. Identifiers: Orphanet 662367, MedGen C5393830, MONDO:0013656, OMIM 614255.
Hereditary spastic paraplegia 30. Identifiers: Orphanet 101010, MedGen C5235139, MONDO:0012476.

Allele frequency attached by ClinVar (database versions not stated): gnomAD exomes below 0.00001.
gnomAD v4.1: 2 of 1,607,462 alleles (0.00012%); highest among the groups gnomAD compares: Non-Finnish European, 0.00017%; no homozygotes.

Submission:

Labcorp Genetics (formerly Invitae), Labcorp
Classification: Uncertain significance for Hereditary spastic paraplegia 30; Neuropathy, hereditary sensory, type 2C; Intellectual disability, autosomal dominant 9. Last evaluated: 2022-07-18. Review status: criteria provided, single submitter. Criteria: Invitae Variant Classification Sherloc (09022015). Collection method: clinical testing. Allele origin: germline.
Comment: Advanced modeling of protein sequence and biophysical properties (such as structural, functional, and spatial information, amino acid conservation, physicochemical variation, residue mobility, and thermodynamic stability) performed at Invitae indicates that this missense variant is not expected to disrupt KIF1A protein function. ClinVar contains an entry for this variant (Variation ID: 958667). This variant has not been reported in the literature in individuals affected with KIF1A-related conditions. This variant is not present in population databases (gnomAD no frequency). This sequence change replaces alanine, which is neutral and non-polar, with valine, which is neutral and non-polar, at codon 1242 of the KIF1A protein (p.Ala1242Val). In summary, the available evidence is currently insufficient to determine the role of this variant in disease. Therefore, it has been classified as a Variant of Uncertain Significance.

NM_001244008.2(KIF1A):c.4028C>T (p.Ala1343Val)

Gene: KIF1A (kinesin family member 1A; minus strand). Cytogenetic location: 2q37.3.
Variant type: single nucleotide variant.
Coding change: c.4028C>T on transcript NM_001244008.2 (MANE Select); coding-DNA position 4028, C replaced by T.
Protein change: p.Ala1343Val; replaces alanine 1343 with valine.
Molecular consequence: missense variant.
Genome position (GRCh38, 1-based): chr2:240,726,920, G>A on the plus strand (C>T on the coding strand, the complement: KIF1A is on the minus strand). VCF-style: chr2-240726920-G-A. GRCh37 (hg19) VCF-style: chr2-241666337-G-A.
Other names: c.3752C>T, p.Ala1251Val (NM_001320705.2, NM_001379649.1); c.3779C>T, p.Ala1260Val (NM_001330289.2); c.3827C>T, p.Ala1276Val (NM_001330290.2, NM_001379648.1); c.4103C>T, p.Ala1368Val (NM_001379631.1); c.4004C>T, p.Ala1335Val (NM_001379632.1); c.4001C>T, p.Ala1334Val (NM_001379633.1, NM_001379645.1); c.3854C>T, p.Ala1285Val (NM_001379634.1); c.3851C>T, p.Ala1284Val (NM_001379635.1, NM_001379646.1); and 7 more; short protein forms A1250V, A1251V, A1260V, A1276V, A1334V, A1335V, A1241V, A1267V.
Identifiers: ClinVar variation 958667 (VCV000958667.10), dbSNP rs2046074242, ClinGen allele CA351309714.